The following is an entry in ClinVar:

NM_004304.5(ALK):c.1090C>T (p.Gln364Ter)

Gene: ALK (ALK receptor tyrosine kinase; minus strand). Cytogenetic location: 2p23.2.
Variant type: single nucleotide variant.
Coding change: c.1090C>T on transcript NM_004304.5 (MANE Select); coding-DNA position 1090, C replaced by T.
Protein change: p.Gln364Ter; replaces glutamine 364 with a stop codon.
Molecular consequence: nonsense.
Genome position (GRCh38, 1-based): chr2:29,531,979, G>A on the plus strand (C>T on the coding strand, the complement: ALK is on the minus strand). VCF-style: chr2-29531979-G-A. GRCh37 (hg19) VCF-style: chr2-29754845-G-A.
Other names: c.1090C>T (NM_004304.4); short protein forms Q364*.
Identifiers: ClinVar variation 3711937 (VCV003711937.3).

ClinVar aggregate classification (germline): Conflicting classifications of pathogenicity. Review status: criteria provided, conflicting classifications (1 of 4 stars). 2 submissions from 2 submitters: Uncertain significance (1); Likely benign (1). Last evaluated 2026-05-13.

Conditions:
Neuroblastoma, susceptibility to, 3. Also called: ALK-Related Neuroblastic Tumor Susceptibility. Identifiers: Orphanet 635, MedGen C2751681, MONDO:0013083, OMIM 613014.
Hereditary cancer-predisposing syndrome. Also called: Hereditary Cancer Syndrome; Hereditary neoplastic syndrome; Neoplastic Syndromes, Hereditary; Tumor predisposition. Identifiers: Orphanet 140162, MedGen C0027672, MeSH D009386, MONDO:0015356.

gnomAD v4.1: 3 of 1,614,080 alleles (0.00019%); highest among the groups gnomAD compares: Non-Finnish European, 0.00025%; no homozygotes.

Submissions (2):

Ambry Genetics
Classification: Likely benign for Hereditary cancer-predisposing syndrome. Last evaluated: 2026-05-13. Review status: criteria provided, single submitter. Criteria: Ambry Variant Classification Scheme 2023. Collection method: clinical testing. Allele origin: germline.

Labcorp Genetics (formerly Invitae), Labcorp
Classification: Uncertain significance for Neuroblastoma, susceptibility to, 3. Last evaluated: 2025-09-28. Review status: criteria provided, single submitter. Criteria: Invitae Variant Classification Sherloc (09022015). Collection method: clinical testing. Allele origin: germline.
Comment: This sequence change creates a premature translational stop signal (p.Gln364*) in the ALK gene. It is expected to result in an absent or disrupted protein product. However, the current clinical and genetic evidence is not sufficient to establish whether loss-of-function variants in ALK cause disease. This variant is not present in population databases (gnomAD no frequency). This variant has not been reported in the literature in individuals affected with ALK-related conditions. ClinVar contains an entry for this variant (Variation ID: 3711937). In summary, the available evidence is currently insufficient to determine the role of this variant in disease. Therefore, it has been classified as a Variant of Uncertain Significance.